The following is an entry in ClinVar:

NM_000691.5(ALDH3A1):c.703G>A (p.Gly235Arg)

Gene: ALDH3A1 (aldehyde dehydrogenase 3 family member A1; minus strand). Cytogenetic location: 17p11.2.
Variant type: single nucleotide variant.
Coding change: c.703G>A on transcript NM_000691.5 (MANE Select); coding-DNA position 703, G replaced by A.
Protein change: p.Gly235Arg; replaces glycine 235 with arginine.
Molecular consequence: missense variant.
Genome position (GRCh38, 1-based): chr17:19,741,197, C>T on the plus strand (G>A on the coding strand, the complement: ALDH3A1 is on the minus strand). VCF-style: chr17-19741197-C-T. GRCh37 (hg19) VCF-style: chr17-19644510-C-T.
Other names: c.703G>A, p.Gly235Arg (NM_001135167.1, NM_001135168.1); c.484G>A, p.Gly162Arg (NM_001330150.2); short protein forms G162R, G235R.
Identifiers: ClinVar variation 2442791 (VCV002442791.2), dbSNP rs761232139, ClinGen allele CA8444232.
Genomic context (GRCh38, chr17:19,741,197, plus strand): 5'-AGGGGTCACAGAGGATGTAGTCAGGGGCCACGCAGGTCTGGCCACTGTTCATGAATTTCC[C>T]CCAGGCGATGCGTCTGTGAGAATCCCAGACTGGACTAAATCCAAAAGGTTCCCCAGGAGT-3'
Protein context (NP_000682.3, residues 225-245): LDVACRRIAW[Gly235Arg]KFMNSGQTCV

ClinVar aggregate classification (germline): Likely pathogenic (0 of 4 stars; one submission).

Conditions:
Keratoconus (KC). Identifiers: MedGen C0022578, MeSH D007640, MONDO:0015486, HP:0000563.

Allele frequency attached by ClinVar (database versions not stated): TOPMed 0.00002; gnomAD exomes 0.00003; gnomAD 0.00004; ExAC 0.00007.
gnomAD v4.1: 54 of 1,613,786 alleles (0.0033%); highest among the groups gnomAD compares: East Asian, 0.031%; no homozygotes.

Submission:

Refractive Surgery Department, Bright Eye Hospital
Classification: Likely pathogenic for Keratoconus. Last evaluated: 2023-02-25. Review status: no assertion criteria provided. Collection method: case-control. Allele origin: inherited. Inheritance: Autosomal dominant inheritance. Affected: yes. Observed: 3 variant alleles, 3 heterozygotes.
Comment: ALDH3A1 is thought to be involved in KC etiology.12-14 ALDH3A1 variants, rs1042183 and rs2228100, are strongly associated with KC in the Polish and Korean populations.12, 14 The association of ALDH3A1 with intraocular pressure15 and refractive astigmatism16, 17 have also been observed. Furthermore, the relationship between astigmatism and KC has been reported, as 14.1% of patients with more than 2D astigmatism suffer from KC.18 Our findings further demonstrated the association of ALDH3A1 with KC. A novel SNP in ALDH3A1 was detected, g.19644510G>A, (c.703G>A, p.Gly235Arg [rs761232139]), causing a p.G235R amino acid change. This variant is located in exon 6 of ALDH3A1 gene and is predicted as highly conserved among species and probably damaging. The variant was identified in all KC members from the family 2, which means that rs761232139 may be a risk factor for KC and inherited in a dominant model. The residue was considered as a distinct structural and/or functional sequence of ALDH3A1, which is adjacent to the active site Cys-243.